The following is an entry in ClinVar:

NM_004369.4(COL6A3):c.6458T>C (p.Ile2153Thr)

Gene: COL6A3 (collagen type VI alpha 3 chain; minus strand). Cytogenetic location: 2q37.3.
Variant type: single nucleotide variant.
Coding change: c.6458T>C on transcript NM_004369.4 (MANE Select); coding-DNA position 6458, T replaced by C.
Protein change: p.Ile2153Thr; replaces isoleucine 2153 with threonine.
Molecular consequence: missense variant.
Genome position (GRCh38, 1-based): chr2:237,358,534, A>G on the plus strand (T>C on the coding strand, the complement: COL6A3 is on the minus strand). VCF-style: chr2-237358534-A-G. GRCh37 (hg19) VCF-style: chr2-238267177-A-G.
Other names: c.4637T>C, p.Ile1546Thr (NM_057166.5); c.5840T>C, p.Ile1947Thr (NM_057167.4); short protein forms I1546T, I1947T, I2153T.
Identifiers: ClinVar variation 2097397 (VCV002097397.4), dbSNP rs2469856609, ClinGen allele CA351215322.

ClinVar aggregate classification (germline): Uncertain significance (1 of 4 stars; one submission).

Conditions:
Bethlem myopathy 1A. Also called: MYOPATHY, BENIGN CONGENITAL, WITH CONTRACTURES; Bethlem myopathy 1; Bethlem Muscular Dystrophy. Identifiers: Orphanet 610, MedGen CN029274, MONDO:0024530, OMIM 158810.

Submission:

Labcorp Genetics (formerly Invitae), Labcorp
Classification: Uncertain significance for Bethlem myopathy 1A. Last evaluated: 2023-12-07. Review status: criteria provided, single submitter. Criteria: Invitae Variant Classification Sherloc (09022015). Collection method: clinical testing. Allele origin: germline.
Comment: This sequence change replaces isoleucine, which is neutral and non-polar, with threonine, which is neutral and polar, at codon 2153 of the COL6A3 protein (p.Ile2153Thr). This variant is not present in population databases (gnomAD no frequency). This variant has not been reported in the literature in individuals affected with COL6A3-related conditions. ClinVar contains an entry for this variant (Variation ID: 2097397). Advanced modeling of protein sequence and biophysical properties (such as structural, functional, and spatial information, amino acid conservation, physicochemical variation, residue mobility, and thermodynamic stability) performed at Invitae indicates that this missense variant is not expected to disrupt COL6A3 protein function with a negative predictive value of 80%. In summary, the available evidence is currently insufficient to determine the role of this variant in disease. Therefore, it has been classified as a Variant of Uncertain Significance.